The following is an entry in ClinVar:

NM_001376232.1(ZP2):c.278A>G (p.Asp93Gly)

Gene: ZP2 (zona pellucida glycoprotein 2; minus strand). Cytogenetic location: 16p12.2.
Variant type: single nucleotide variant.
Coding change: c.278A>G on transcript NM_001376232.1 (MANE Select); coding-DNA position 278, A replaced by G.
Protein change: p.Asp93Gly; replaces aspartic acid 93 with glycine.
Molecular consequence: missense variant. On other transcripts: non-coding transcript variant (1).
Genome position (GRCh38, 1-based): chr16:21,209,683, T>C on the plus strand (A>G on the coding strand, the complement: ZP2 is on the minus strand). VCF-style: chr16-21209683-T-C. GRCh37 (hg19) VCF-style: chr16-21221004-T-C.
Other names: c.278A>G, p.Asp93Gly (NM_001376231.1, NM_001376233.1, NM_003460.2); short protein forms D93G.
Identifiers: ClinVar variation 1048827 (VCV001048827.1), dbSNP rs1294362985, ClinGen allele CA395040760.

ClinVar aggregate classification (germline): Uncertain significance (0 of 4 stars; one submission).

Allele frequency attached by ClinVar (database versions not stated): gnomAD exomes below 0.00001 and 0.00001; TOPMed 0.00002.
gnomAD v4.1: 11 of 1,614,026 alleles (0.00068%); highest among the groups gnomAD compares: African/African-American, 0.0013%; no homozygotes.

Submission:

Department of Pathology and Laboratory Medicine, Sinai Health System
Classification: Uncertain significance. Review status: no assertion criteria provided. Collection method: clinical testing. Allele origin: unknown. Affected: yes. Study: The Canadian Open Genetics Repository (COGR).
Comment: The ZP2 p.Asp93Gly variant was not identified in the literature nor was it identified in ClinVar or LOVD 3.0. The variant was identified in dbSNP (ID: rs1294362985) and was identified in control databases in 1 of 251306 chromosomes at a frequency of 0.000004 (Genome Aggregation Database March 6, 2019, v2.1.1). The variant was observed in the Other population in 1 of 6136 chromosomes (freq: 0.000163), but was not observed in the African, Latino, Ashkenazi Jewish, East Asia, European (Finnish), European (non-Finnish) or South Asian populations. The p.Asp93 residue is not conserved in mammals and computational analyses (PolyPhen-2, SIFT, AlignGVGD, BLOSUM, MutationTaster) provide inconsistent predictions regarding the impact to the protein; this information is not very predictive of pathogenicity. The variant occurs outside of the splicing consensus sequence and in silico or computational prediction software programs (SpliceSiteFinder, MaxEntScan, NNSPLICE, GeneSplicer) do not predict a difference in splicing. In summary, based on the above information the clinical significance of this variant cannot be determined with certainty at this time. This variant is classified as a variant of uncertain significance.